The following is an entry in ClinVar:

ClinVar aggregate classification (germline): Benign. Review status: criteria provided, multiple submitters, no conflicts (2 of 4 stars). 2 submissions from 2 submitters: Benign (2). Last evaluated 2018-01-13.

Conditions:
Methylmalonic aciduria, cblB type (MACB). Also called: Vitamin B12-responsive methylmalonic acidemia type cblB; METHYLMALONIC ACIDURIA, VITAMIN B12-RESPONSIVE, DUE TO DEFECT IN SYNTHESIS OF ADENOSYLCOBALAMIN, cblB TYPE; Methylmalonic acidemia cblB type. Identifiers: Orphanet 28, Orphanet 79311, MedGen C1855102, MONDO:0009614, OMIM 251110.

Allele frequency attached by ClinVar (database versions not stated): TOPMed 0.23410; gnomAD 0.24433 and 0.24124; 1000 Genomes Project 0.19649; gnomAD exomes 0.22553 and 0.24600; 1000 Genomes Project 30x 0.19550; ExAC 0.24536.
gnomAD v4.1: 111,020 of 453,906 alleles (24%); highest among the groups gnomAD compares: Middle Eastern, 29%; 14,247 homozygotes.

Submissions (2):

Illumina Laboratory Services, Illumina
Classification: Benign for Methylmalonic aciduria, cblB type. Last evaluated: 2018-01-13. Review status: criteria provided, single submitter. Criteria: ICSL Variant Classification Criteria 13 December 2019. Collection method: clinical testing. Allele origin: germline.
Comment: This variant was observed in the ICSL laboratory as part of a predisposition screen in an ostensibly healthy population. It had not been previously curated by ICSL or reported in the Human Gene Mutation Database (HGMD: prior to June 1st, 2018), and was therefore a candidate for classification through an automated scoring system. Utilizing variant allele frequency, disease prevalence and penetrance estimates, and inheritance mode, an automated score was calculated to assess if this variant is too frequent to cause the disease. Based on the score and internal cut-off values, a variant classified as benign is not then subjected to further curation. The score for this variant resulted in a classification of benign for this disease.

Breakthrough Genomics
Classification: Benign. Review status: criteria provided, single submitter. Criteria: ACMG Guidelines, 2015. Collection method: not provided. Allele origin: germline. Inheritance: Autosomal recessive inheritance. Affected: yes.

NM_052845.4(MMAB):c.*3148G>A

Gene: MMAB (metabolism of cobalamin associated B; minus strand). Cytogenetic location: 12q24.11.
Variant type: single nucleotide variant.
Coding change: c.*3148G>A on transcript NM_052845.4 (MANE Select); 3148 bases downstream of the stop codon, G replaced by A.
Molecular consequence: 3 prime UTR variant. On other transcripts: non-coding transcript variant (1).
Genome position (GRCh38, 1-based): chr12:109,553,880, C>T on the plus strand (G>A on the coding strand, the complement: MMAB is on the minus strand). VCF-style: chr12-109553880-C-T. GRCh37 (hg19) VCF-style: chr12-109991685-C-T.
Identifiers: ClinVar variation 307003 (VCV000307003.6), dbSNP rs11067227, ClinGen allele CA6778510.